The following is an entry in ClinVar:

ClinVar aggregate classification (germline): Uncertain significance. Review status: criteria provided, multiple submitters, no conflicts (2 of 4 stars). 2 submissions from 2 submitters: Uncertain significance (2). Last evaluated 2024-07-02.

Conditions:
Inborn genetic diseases. Identifiers: MedGen C0950123, MeSH D030342.
Hereditary spastic paraplegia 11. Also called: Spastic Paraplegia 11; SPASTIC PARAPLEGIA, AUTOSOMAL RECESSIVE, COMPLICATED, WITH THIN CORPUS CALLOSUM; SPASTIC PARAPLEGIA, AUTOSOMAL RECESSIVE, WITH MENTAL IMPAIRMENT AND THIN CORPUS CALLOSUM; Spastic paraplegia, mental retardation and thin corpus callosum; Nakamura Osame syndrome; Autosomal recessive hereditary spastic paraplegia, mental impairment, and thin corpus callosum. Identifiers: Orphanet 2822, MedGen C1858479, MONDO:0011445, OMIM 604360.

gnomAD v4.1: 14 of 1,614,178 alleles (0.00087%); highest among the groups gnomAD compares: South Asian, 0.015%; no homozygotes.

Submissions (2):

Ambry Genetics
Classification: Uncertain significance for Inborn genetic diseases. Last evaluated: 2024-07-02. Review status: criteria provided, single submitter. Criteria: Ambry Variant Classification Scheme 2023. Collection method: clinical testing. Allele origin: germline.

Neuberg Centre For Genomic Medicine, NCGM
Classification: Uncertain significance for Hereditary spastic paraplegia 11. Review status: criteria provided, single submitter. Criteria: ACMG Guidelines, 2015. Collection method: clinical testing. Allele origin: germline. Inheritance: Autosomal recessive inheritance. Affected: yes.
Comment: The missense variant in c.4281C>G(p.Cys1427Trp) in SPG11 gene has not been reported previously as a pathogenic variant nor as a benign variant, to our knowledge. The variant is observed in 0.003% alleles in gnomAD Exomes and is novel (not in any individuals) in 1000 Genomes. The amino acid Cys at position 1427 is changed to a Trp changing protein sequence and it might alter its composition and physico-chemical properties. The amino acid change p.Cys1427Trp in SPG11 is predicted as conserved by PhyloP across 100 vertebrates. For these reasons, this variant has been classified as Uncertain Significance.

NM_025137.4(SPG11):c.4281C>G (p.Cys1427Trp)

Genes: SPG11 (SPG11 vesicle trafficking associated, spatacsin; minus strand), LOC130056973 (ATAC-STARR-seq lymphoblastoid active region 9341; plus strand). Cytogenetic location: 15q21.1.
Variant type: single nucleotide variant.
Coding change: c.4281C>G on transcript NM_025137.4 (MANE Select); coding-DNA position 4281, C replaced by G.
Protein change: p.Cys1427Trp; replaces cysteine 1427 with tryptophan.
Molecular consequence: missense variant.
Genome position (GRCh38, 1-based): chr15:44,596,236, G>C on the plus strand (C>G on the coding strand, the complement: SPG11 is on the minus strand). VCF-style: chr15-44596236-G-C. GRCh37 (hg19) VCF-style: chr15-44888434-G-C.
Other names: c.4281C>G (NM_025137.3); c.4281C>G, p.Cys1427Trp (NM_001160227.2, NM_001411132.1); short protein forms C1427W.
Identifiers: ClinVar variation 2585087 (VCV002585087.2), dbSNP rs773871445, ClinGen allele CA7534714.